The following is an entry in ClinVar:

ClinVar aggregate classification (germline): Likely pathogenic (1 of 4 stars; one submission).

Submission:

Dasa
Classification: Likely pathogenic. Last evaluated: 2026-04-13. Review status: criteria provided, single submitter. Criteria: DASA Assertion Criteria. Collection method: clinical testing. Allele origin: germline.
Comment: NM_006295.3(VARS1):c.2151-2A>G affects a canonical splice site and is predicted to disrupt normal RNA splicing. Loss of function is an established disease mechanism for VARS1-associated disorders. Also, this variant is absent from population databases. Based on the currently available evidence, this variant is classified as likely pathogenic.

NM_006295.3(VARS1):c.2151-2A>G

Gene: VARS1 (valyl-tRNA synthetase 1; minus strand). Cytogenetic location: 6p21.33.
Variant type: single nucleotide variant.
Coding change: c.2151-2A>G on transcript NM_006295.3 (MANE Select); the canonical splice acceptor site of the intron before coding-DNA position 2151, A replaced by G.
Molecular consequence: splice acceptor variant.
Genome position (GRCh38, 1-based): chr6:31,782,179, T>C on the plus strand (A>G on the coding strand, the complement: VARS1 is on the minus strand). VCF-style: chr6-31782179-T-C. GRCh37 (hg19) VCF-style: chr6-31749956-T-C.
Identifiers: ClinVar variation 4880954 (VCV004880954.2).